The following is an entry in ClinVar:

ClinVar aggregate classification (germline): Uncertain significance (1 of 4 stars; one submission).

Submission:

GeneDx
Classification: Uncertain significance. Last evaluated: 2025-08-06. Review status: criteria provided, single submitter. Criteria: GeneDx Variant Classification Process June 2021. Collection method: clinical testing. Allele origin: germline. Affected: yes.
Comment: Not observed at significant frequency in large population cohorts (gnomAD); In silico analysis supports that this missense variant has a deleterious effect on protein structure/function; Has not been previously published as pathogenic or benign to our knowledge

NM_015981.4(CAMK2A):c.1267A>C (p.Thr423Pro)

Gene: CAMK2A (calcium/calmodulin dependent protein kinase II alpha; minus strand). Cytogenetic location: 5q32.
Variant type: single nucleotide variant.
Coding change: c.1267A>C on transcript NM_015981.4 (MANE Select); coding-DNA position 1267, A replaced by C.
Protein change: p.Thr423Pro; replaces threonine 423 with proline.
Molecular consequence: missense variant.
Genome position (GRCh38, 1-based): chr5:150,223,188, T>G on the plus strand (A>C on the coding strand, the complement: CAMK2A is on the minus strand). VCF-style: chr5-150223188-T-G. GRCh37 (hg19) VCF-style: chr5-149602751-T-G.
Other names: c.1267A>C, p.Thr423Pro (NM_001363989.1); c.1234A>C, p.Thr412Pro (NM_001363990.1, NM_001369025.2, NM_171825.3); short protein forms T412P, T423P.
Identifiers: ClinVar variation 4755779 (VCV004755779.1).
Genomic context (GRCh38, chr5:150,223,188, plus strand): 5'-TGTAGGCGATGCAGGCTGACTCGTCGCCCATCAGGTGGATGTGGGGATTCAGGATGGTGG[T>G]GTGCACGGGCTTGCTGTTCCGGGACCACACTGGAGGAGGGGATGGGAGGGGCAGAGGAGA-3'
Protein context (NP_057065.2, residues 413-433): LWSRNSKPVH[Thr423Pro]TILNPHIHLM